The following is an entry in ClinVar:

ClinVar aggregate classification (germline): Uncertain significance (1 of 4 stars; one submission).

Conditions:
Fetal akinesia deformation sequence 1 (FADS1). Also called: Pena-Shokeir syndrome type I; Fetal akinesia sequence. Identifiers: Orphanet 994, MedGen C1276035, MONDO:0100101, OMIM 208150, HP:0001989.
Congenital myasthenic syndrome 9. Also called: Myasthenic syndrome, congenital, 9, associated with acetylcholine receptor deficiency. Identifiers: Orphanet 590, MedGen C4225368, MONDO:0014587, OMIM 616325.

Allele frequency attached by ClinVar (database versions not stated): gnomAD exomes below 0.00001; ExAC 0.00001.
gnomAD v4.1: 6 of 1,613,846 alleles (0.00037%); highest among the groups gnomAD compares: South Asian, 0.0011%; no homozygotes.

Submission:

Labcorp Genetics (formerly Invitae), Labcorp
Classification: Uncertain significance for Congenital myasthenic syndrome 9; Fetal akinesia deformation sequence 1. Last evaluated: 2021-10-25. Review status: criteria provided, single submitter. Criteria: Invitae Variant Classification Sherloc (09022015). Collection method: clinical testing. Allele origin: germline.
Comment: This sequence change replaces methionine with threonine at codon 619 of the MUSK protein (p.Met619Thr). The methionine residue is highly conserved and there is a moderate physicochemical difference between methionine and threonine. This variant is present in population databases (rs755642035, ExAC 0.007%). This variant has not been reported in the literature in individuals affected with MUSK-related conditions. Advanced modeling of protein sequence and biophysical properties (such as structural, functional, and spatial information, amino acid conservation, physicochemical variation, residue mobility, and thermodynamic stability) performed at Invitae indicates that this missense variant is not expected to disrupt MUSK protein function. In summary, the available evidence is currently insufficient to determine the role of this variant in disease. Therefore, it has been classified as a Variant of Uncertain Significance.

NM_005592.4(MUSK):c.1856T>C (p.Met619Thr)

Gene: MUSK (muscle associated receptor tyrosine kinase; plus strand). Cytogenetic location: 9q31.3.
Variant type: single nucleotide variant.
Coding change: c.1856T>C on transcript NM_005592.4 (MANE Select); coding-DNA position 1856, T replaced by C.
Protein change: p.Met619Thr; replaces methionine 619 with threonine.
Molecular consequence: missense variant.
Genome position (GRCh38, 1-based): chr9:110,787,767, T>C. VCF-style: chr9-110787767-T-C. GRCh37 (hg19) VCF-style: chr9-113550047-T-C.
Other names: c.1598T>C, p.Met533Thr (NM_001166280.2); c.1568T>C, p.Met523Thr (NM_001166281.2); c.596T>C, p.Met199Thr (NM_001369398.1); short protein forms M533T, M523T, M619T, M199T.
Identifiers: ClinVar variation 1402255 (VCV001402255.3), dbSNP rs755642035, ClinGen allele CA5184489.
Genomic context (GRCh38, chr9:110,787,767, plus strand): 5'-CCTATGAACCTTTCACTATGGTGGCAGTAAAGATGCTCAAAGAAGAAGCCTCGGCAGATA[T>C]GCAAGCGGACTTTCAGAGGGAGGCAGCCCTCATGGCAGAATTTGACAACCCTAACATTGT-3'
Protein context (NP_005583.1, residues 609-629): KMLKEEASAD[Met619Thr]QADFQREAAL